The following is an entry in ClinVar:

NM_000350.3(ABCA4):c.1289C>A (p.Ala430Asp)

Gene: ABCA4 (ATP binding cassette subfamily A member 4; minus strand). Cytogenetic location: 1p22.1.
Variant type: single nucleotide variant.
Coding change: c.1289C>A on transcript NM_000350.3 (MANE Select); coding-DNA position 1289, C replaced by A.
Protein change: p.Ala430Asp; replaces alanine 430 with aspartic acid.
Molecular consequence: missense variant.
Genome position (GRCh38, 1-based): chr1:94,078,657, G>T on the plus strand (C>A on the coding strand, the complement: ABCA4 is on the minus strand). VCF-style: chr1-94078657-G-T. GRCh37 (hg19) VCF-style: chr1-94544213-G-T.
Other names: c.1289C>A, p.Ala430Asp (NM_001425324.1); short protein forms A430D.
Identifiers: ClinVar variation 1916202 (VCV001916202.5), dbSNP rs2523895047, ClinGen allele CA341282396.

ClinVar aggregate classification (germline): Pathogenic (1 of 4 stars; one submission).

Allele frequency attached by ClinVar (database versions not stated): gnomAD exomes below 0.00001.
gnomAD v4.1: 1 of 1,610,174 alleles (0.000062%); highest among the groups gnomAD compares: Non-Finnish European, 0.000085%; no homozygotes.

Submission:

Labcorp Genetics (formerly Invitae), Labcorp
Classification: Pathogenic. Last evaluated: 2023-02-02. Review status: criteria provided, single submitter. Criteria: Invitae Variant Classification Sherloc (09022015). Collection method: clinical testing. Allele origin: germline.
Comment: For these reasons, this variant has been classified as Pathogenic. Algorithms developed to predict the effect of missense changes on protein structure and function (SIFT, PolyPhen-2, Align-GVGD) all suggest that this variant is likely to be disruptive. This missense change has been observed in individual(s) with inherited retinal dystrophy and/or Stargardt disease (PMID: 32141364). This variant is not present in population databases (gnomAD no frequency). This sequence change replaces alanine, which is neutral and non-polar, with aspartic acid, which is acidic and polar, at codon 430 of the ABCA4 protein (p.Ala430Asp).

Literature cited by the submitters: PubMed 32141364.